The following is an entry in ClinVar:

NM_001005361.3(DNM2):c.852A>G (p.Gln284=)

Gene: DNM2 (dynamin 2; plus strand). Cytogenetic location: 19p13.2.
Variant type: single nucleotide variant.
Coding change: c.852A>G on transcript NM_001005361.3 (MANE Select); coding-DNA position 852, A replaced by G.
Protein change: p.Gln284=; no amino-acid change (glutamine 284 retained).
Molecular consequence: synonymous variant.
Genome position (GRCh38, 1-based): chr19:10,786,566, A>G. VCF-style: chr19-10786566-A-G. GRCh37 (hg19) VCF-style: chr19-10897242-A-G.
Other names: c.852A>G, p.Gln284= (NM_001005360.3, NM_001005362.3, NM_001190716.2 and 1 more transcripts).
Identifiers: ClinVar variation 2920349 (VCV002920349.3), dbSNP rs2513198328, ClinGen allele CA505495006.

ClinVar aggregate classification (germline): Uncertain significance (1 of 4 stars; one submission).

Conditions:
Charcot-Marie-Tooth disease dominant intermediate B (CMTDIB). Also called: Charcot-Marie-Tooth disease dominant intermediate 1; CMT DI1; Charcot-Marie-Tooth disease dominant intermediate I; CHARCOT-MARIE-TOOTH NEUROPATHY, DOMINANT INTERMEDIATE B. Identifiers: Orphanet 100044, Orphanet 228179, MedGen C1847902, MONDO:0011674, OMIM 606482.

Submission:

Labcorp Genetics (formerly Invitae), Labcorp
Classification: Uncertain significance for Charcot-Marie-Tooth disease dominant intermediate B. Last evaluated: 2024-03-07. Review status: criteria provided, single submitter. Criteria: Invitae Variant Classification Sherloc (09022015). Collection method: clinical testing. Allele origin: germline.
Comment: This sequence change affects codon 284 of the DNM2 mRNA. It is a 'silent' change, meaning that it does not change the encoded amino acid sequence of the DNM2 protein. This variant is not present in population databases (gnomAD no frequency). This variant has not been reported in the literature in individuals affected with DNM2-related conditions. Algorithms developed to predict the effect of sequence changes on RNA splicing suggest that this variant may create or strengthen a splice site. In summary, the available evidence is currently insufficient to determine the role of this variant in disease. Therefore, it has been classified as a Variant of Uncertain Significance.